The following is an entry in ClinVar:

NM_032043.3(BRIP1):c.507G>A (p.Gln169=)

Gene: BRIP1 (BRCA1 interacting DNA helicase 1; minus strand). Cytogenetic location: 17q23.2.
Variant type: single nucleotide variant.
Coding change: c.507G>A on transcript NM_032043.3 (MANE Select); coding-DNA position 507, G replaced by A.
Protein change: p.Gln169=; no amino-acid change (glutamine 169 retained).
Molecular consequence: synonymous variant.
Genome position (GRCh38, 1-based): chr17:61,849,129, C>T on the plus strand (G>A on the coding strand, the complement: BRIP1 is on the minus strand). VCF-style: chr17-61849129-C-T. GRCh37 (hg19) VCF-style: chr17-59926490-C-T.
Identifiers: ClinVar variation 234221 (VCV000234221.64), dbSNP rs876660937, ClinGen allele CA10580873.
Genomic context (GRCh38, chr17:61,849,129, plus strand): 5'-TTGACTACCATGTTCAGCTGTAACTAACTGGGTTATTTACTGCCAATAAACTCTGTTTAC[C>T]TGCTGTGTAGTTTCTAAGGGTCGAATTCTTTTCTTCTCTACTTGAAAATCATCATTTTCA-3'
Protein context (NP_114432.2, residues 159-179): KRIRPLETTQ[Gln169=]IRKRHCFGTE

ClinVar aggregate classification (germline): Likely pathogenic. Review status: criteria provided, multiple submitters, no conflicts (2 of 4 stars). 7 submissions from 7 submitters: Likely pathogenic (7). Last evaluated 2026-01-13.

Conditions:
Hereditary cancer-predisposing syndrome. Also called: Neoplastic Syndromes, Hereditary; Hereditary Cancer Syndrome; Tumor predisposition; Hereditary neoplastic syndrome. Identifiers: Orphanet 140162, MedGen C0027672, MeSH D009386, MONDO:0015356.
Fanconi anemia complementation group J. Also called: BRIP1-Related Fanconi Anemia. Identifiers: Orphanet 84, MedGen C1836860, MONDO:0012187, OMIM 609054.
Familial cancer of breast. Also called: Hereditary breast cancer; hereditary breast carcinoma; BREAST CANCER, FAMILIAL. Identifiers: Orphanet 227535, MedGen C0346153, MONDO:0016419, OMIM 114480. Disease mechanism: loss of function.

gnomAD v4.1: 1 of 1,613,518 alleles (0.000062%); highest among the groups gnomAD compares: Non-Finnish European, 0.000085%; no homozygotes.

Submissions (7):

Labcorp Genetics (formerly Invitae), Labcorp
Classification: Likely pathogenic for Familial cancer of breast; Fanconi anemia complementation group J. Last evaluated: 2026-01-13. Review status: criteria provided, single submitter. Criteria: Invitae Variant Classification Sherloc (09022015). Collection method: clinical testing. Allele origin: germline.
Comment: This sequence change affects codon 169 of the BRIP1 mRNA. It is a 'silent' change, meaning that it does not change the encoded amino acid sequence of the BRIP1 protein. RNA analysis indicates that this variant induces altered splicing and may result in an absent or altered protein product. This variant is not present in population databases (gnomAD no frequency). This variant has been observed in individual(s) with ovarian cancer (PMID: 29368626). ClinVar contains an entry for this variant (Variation ID: 234221). Variants that disrupt the consensus splice site are a relatively common cause of aberrant splicing (PMID: 17576681, 9536098). Studies have shown that this variant results in skipping of exon 5, and produces a non-functional protein and/or introduces a premature termination codon (internal data). In summary, the currently available evidence indicates that the variant is pathogenic, but additional data are needed to prove that conclusively. Therefore, this variant has been classified as Likely Pathogenic.

Ambry Genetics
Classification: Likely pathogenic for Hereditary cancer-predisposing syndrome. Last evaluated: 2025-07-18. Review status: criteria provided, single submitter. Criteria: Ambry Variant Classification Scheme 2023. Collection method: clinical testing. Allele origin: germline.
Comment: The c.507G>A variant (also known as p.Q169Q) is located in coding exon 4 of the BRIP1 gene. This variant results from a G to A substitution at nucleotide position 507. This nucleotide substitution does not change the glutamine at codon 169. However, this change occurs in the last base pair of coding exon 4, which makes it likely to have some effect on normal mRNA splicing. This variant was observed in 4/706 cases with ovarian cancer, 1/6341 cases with breast cancer and in 0/36687 controls. RNA analysis of this alteration performed by the same group showed exon 5 skipping resulting in transcript that is 127 nucleotides shorter with a predicted alternate stop codon (p.S128*) (Weber-Lassalle N et al. Breast Cancer Res. 2018 Jan;20:7; Suszynska M et al. J Ovarian Res. 2020 May;13:50). This variant is considered to be rare based on population cohorts in the Genome Aggregation Database (gnomAD). This nucleotide position is highly conserved in available vertebrate species. In silico splice site analysis predicts that this alteration will weaken the native splice donor site. RNA studies have demonstrated that this alteration results in abnormal splicing in the set of samples tested (Ambry internal data). Based on the majority of available evidence to date, this variant is likely to be pathogenic.

St. Jude Molecular Pathology, St. Jude Children's Research Hospital
Classification: Likely pathogenic for Familial cancer of breast. Last evaluated: 2025-06-17. Review status: criteria provided, single submitter. Criteria: St. Jude Assertion Criteria 2020. Collection method: clinical testing. Allele origin: germline.
Comment: The BRIP1 c.507G>A p.(Gln169=) synonymous change is absent in gnomAD v2.1.1. Algorithms that predict the impact of sequence changes on splicing predict that this change results in the loss of the native donor site. RNA studies have demonstrated that this variant results in skipping of exon 5 (PMID: 29368626, internal data) and is predicted to result in an out-of-frame transcript with a premature stop codon (p.S128*). This variant has been reported in individuals with ovarian cancer (PMID: 29368626). In summary this variant meets criteria to be classified as likely pathogenic.

Baylor Genetics
Classification: Likely pathogenic for Familial cancer of breast. Last evaluated: 2024-03-18. Review status: criteria provided, single submitter. Criteria: ACMG Guidelines, 2015. Collection method: clinical testing. Allele origin: unknown.

GeneDx
Classification: Likely pathogenic. Last evaluated: 2023-02-08. Review status: criteria provided, single submitter. Criteria: GeneDx Variant Classification Process June 2021. Collection method: clinical testing. Allele origin: germline. Affected: yes.
Comment: Synonymous variant demonstrated to result in out-of-frame skipping of exon 5 in a gene for which loss-of-function is a known mechanism of disease (Weber-Lassalle et al., 2018); Observed in individuals with breast or ovarian cancer (Weber-Lassalle et al., 2018); Not observed at significant frequency in large population cohorts (gnomAD); Alters the last nucleotide of the exon and is predicted to destroy the splice donor site and result in aberrant splicing; This variant is associated with the following publications: (PMID: 32359370, 29368626)

Color Diagnostics, LLC DBA Color Health
Classification: Likely pathogenic for Hereditary cancer-predisposing syndrome. Last evaluated: 2021-10-27. Review status: criteria provided, single submitter. Criteria: ACMG Guidelines, 2015. Collection method: clinical testing. Allele origin: germline.
Comment: This synonymous variant changes the conserved c.G at the last nucleotide position of exon 5 of the BRIP1 gene. Splice prediction tools suggest this variant may impact RNA splicing. RNA analysis of a heterozygous carrier has shown complete skipping of exon 5 resulting in transcript containing premature translation stop codon (p.S128*) (PMID: 29368626). This variant is expected to result in an absent or non-functional protein product. This variant has been reported in 4/706 individuals with ovarian cancer, 1/6341 individuals with breast cancer and in 0/36687 control individuals (PMID: 29368626). This variant has not been identified in the general population by the Genome Aggregation Database (gnomAD). Loss of BRIP1 function is a known mechanism of disease. Based on the available evidence, this variant is classified as Likely Pathogenic.

CeGaT Center for Human Genetics Tuebingen
Classification: Likely pathogenic. Last evaluated: 2020-10-01. Review status: criteria provided, single submitter. Criteria: CeGaT Center For Human Genetics Tuebingen Variant Classification Criteria Version 2. Collection method: clinical testing. Allele origin: germline. Affected: yes. Observed: 1 variant allele.

Literature cited by the submitters: PubMed 29368626 (cited by 3 submitters); PubMed 17576681 (cited by Labcorp Genetics (formerly Invitae), Labcorp); PubMed 9536098 (cited by Labcorp Genetics (formerly Invitae), Labcorp); PubMed 32359370 (cited by Ambry Genetics).